The following is an entry in ClinVar:

NM_198576.4(AGRN):c.4165C>T (p.Arg1389Cys)

Gene: AGRN (agrin; plus strand). Cytogenetic location: 1p36.33.
Variant type: single nucleotide variant.
Coding change: c.4165C>T on transcript NM_198576.4 (MANE Select); coding-DNA position 4165, C replaced by T.
Protein change: p.Arg1389Cys; replaces arginine 1389 with cysteine.
Molecular consequence: missense variant.
Genome position (GRCh38, 1-based): chr1:1,048,926, C>T. VCF-style: chr1-1048926-C-T. GRCh37 (hg19) VCF-style: chr1-984306-C-T.
Other names: c.4165C>T, p.Arg1389Cys (NM_001305275.2); c.3850C>T, p.Arg1284Cys (NM_001364727.2); short protein forms R1284C, R1389C.
Identifiers: ClinVar variation 863500 (VCV000863500.5), dbSNP rs775753706, ClinGen allele CA509342.

ClinVar aggregate classification (germline): Uncertain significance (1 of 4 stars; one submission).

Conditions:
Congenital myasthenic syndrome 8. Also called: Myasthenic syndrome, congenital, 8, with pre- and postsynaptic defects; MYASTHENIC SYNDROME, CONGENITAL, DUE TO AGRIN DEFICIENCY. Identifiers: Orphanet 590, MedGen C3808739, MONDO:0014052, OMIM 615120.

Allele frequency attached by ClinVar (database versions not stated): gnomAD 0.00001; TOPMed 0.00002; ExAC 0.00004.
gnomAD v4.1: 16 of 1,560,594 alleles (0.001%); highest among the groups gnomAD compares: African/African-American, 0.0041%; no homozygotes.

Submission:

Labcorp Genetics (formerly Invitae), Labcorp
Classification: Uncertain significance for Congenital myasthenic syndrome 8. Last evaluated: 2022-08-31. Review status: criteria provided, single submitter. Criteria: Invitae Variant Classification Sherloc (09022015). Collection method: clinical testing. Allele origin: germline.
Comment: This sequence change replaces arginine, which is basic and polar, with cysteine, which is neutral and slightly polar, at codon 1389 of the AGRN protein (p.Arg1389Cys). The frequency data for this variant in the population databases is considered unreliable, as metrics indicate poor data quality at this position in the gnomAD database. This variant has not been reported in the literature in individuals affected with AGRN-related conditions. ClinVar contains an entry for this variant (Variation ID: 863500). Algorithms developed to predict the effect of missense changes on protein structure and function are either unavailable or do not agree on the potential impact of this missense change (SIFT: "Deleterious"; PolyPhen-2: "Probably Damaging"; Align-GVGD: "Class C0"). In summary, the available evidence is currently insufficient to determine the role of this variant in disease. Therefore, it has been classified as a Variant of Uncertain Significance.